The following is an entry in ClinVar:

NM_015378.4(VPS13D):c.10570A>G (p.Lys3524Glu)

Gene: VPS13D (vacuolar protein sorting 13 homolog D; plus strand). Cytogenetic location: 1p36.22.
Variant type: single nucleotide variant.
Coding change: c.10570A>G on transcript NM_015378.4 (MANE Select); coding-DNA position 10570, A replaced by G.
Protein change: p.Lys3524Glu; replaces lysine 3524 with glutamic acid.
Molecular consequence: missense variant.
Genome position (GRCh38, 1-based): chr1:12,368,589, A>G. VCF-style: chr1-12368589-A-G. GRCh37 (hg19) VCF-style: chr1-12428644-A-G.
Other names: c.10495A>G, p.Lys3499Glu (NM_018156.4); short protein forms K3499E, K3524E.
Identifiers: ClinVar variation 1716632 (VCV001716632.4), dbSNP rs750530576, ClinGen allele CA603722.

ClinVar aggregate classification (germline): Uncertain significance (1 of 4 stars; one submission).

Allele frequency attached by ClinVar (database versions not stated): gnomAD exomes below 0.00001; ExAC 0.00001.
gnomAD v4.1: 1 of 1,612,360 alleles (0.000062%); highest among the groups gnomAD compares: Non-Finnish European, 0.000085%; no homozygotes.

Submission:

Labcorp Genetics (formerly Invitae), Labcorp
Classification: Uncertain significance. Last evaluated: 2022-08-17. Review status: criteria provided, single submitter. Criteria: Invitae Variant Classification Sherloc (09022015). Collection method: clinical testing. Allele origin: germline.
Comment: This variant has not been reported in the literature in individuals affected with VPS13D-related conditions. This variant is present in population databases (rs750530576, gnomAD 0.002%). This sequence change replaces lysine, which is basic and polar, with glutamic acid, which is acidic and polar, at codon 3524 of the VPS13D protein (p.Lys3524Glu). Algorithms developed to predict the effect of missense changes on protein structure and function are either unavailable or do not agree on the potential impact of this missense change (SIFT: "Not Available"; PolyPhen-2: "Probably Damaging"; Align-GVGD: "Not Available"). In summary, the available evidence is currently insufficient to determine the role of this variant in disease. Therefore, it has been classified as a Variant of Uncertain Significance.